The following is an entry in ClinVar:

NM_006506.5(RASA2):c.1951A>G (p.Thr651Ala)

Gene: RASA2 (RAS p21 protein activator 2; plus strand). Cytogenetic location: 3q23.
Variant type: single nucleotide variant.
Coding change: c.1951A>G on transcript NM_006506.5 (MANE Select); coding-DNA position 1951, A replaced by G.
Protein change: p.Thr651Ala; replaces threonine 651 with alanine.
Molecular consequence: missense variant.
Genome position (GRCh38, 1-based): chr3:141,607,695, A>G. VCF-style: chr3-141607695-A-G. GRCh37 (hg19) VCF-style: chr3-141326537-A-G.
Other names: c.1954A>G, p.Thr652Ala (NM_001303245.3); c.1963A>G, p.Thr655Ala (NM_001303246.3); short protein forms T655A, T651A, T652A.
Identifiers: ClinVar variation 1465265 (VCV001465265.12), dbSNP rs201793250, ClinGen allele CA84636533.

ClinVar aggregate classification (germline): Uncertain significance. Review status: criteria provided, multiple submitters, no conflicts (2 of 4 stars). 3 submissions from 3 submitters: Uncertain significance (3). Last evaluated 2025-07-21.

Allele frequency attached by ClinVar (database versions not stated): gnomAD exomes 0.00004; gnomAD 0.00015 and 0.00016; 1000 Genomes Project 0.00020; TOPMed 0.00020; 1000 Genomes Project 30x 0.00031.
gnomAD v4.1: 34 of 1,597,086 alleles (0.0021%); highest among the groups gnomAD compares: Admixed American, 0.059%; no homozygotes.

Submissions (3):

Women's Health and Genetics/Laboratory Corporation of America, LabCorp
Classification: Uncertain significance. Last evaluated: 2025-07-21. Review status: criteria provided, single submitter. Criteria: LabCorp Variant Classification Summary - May 2015. Collection method: clinical testing. Allele origin: germline.

Ambry Genetics
Classification: Uncertain significance. Last evaluated: 2025-01-11. Review status: criteria provided, single submitter. Criteria: Ambry Variant Classification Scheme 2023. Collection method: clinical testing. Allele origin: germline.
Comment: The p.T651A variant (also known as c.1951A>G), located in coding exon 20 of the RASA2 gene, results from an A to G substitution at nucleotide position 1951. The threonine at codon 651 is replaced by alanine, an amino acid with similar properties. This amino acid position is conserved. In addition, this alteration is predicted to be tolerated by in silico analysis. Since supporting evidence is limited at this time, the clinical significance of this alteration remains unclear.

Labcorp Genetics (formerly Invitae), Labcorp
Classification: Uncertain significance. Last evaluated: 2024-12-24. Review status: criteria provided, single submitter. Criteria: Invitae Variant Classification Sherloc (09022015). Collection method: clinical testing. Allele origin: germline.
Comment: This sequence change replaces threonine, which is neutral and polar, with alanine, which is neutral and non-polar, at codon 651 of the RASA2 protein (p.Thr651Ala). This variant is present in population databases (rs201793250, gnomAD 0.03%). This variant has not been reported in the literature in individuals affected with RASA2-related conditions. ClinVar contains an entry for this variant (Variation ID: 1465265). Invitae Evidence Modeling of protein sequence and biophysical properties (such as structural, functional, and spatial information, amino acid conservation, physicochemical variation, residue mobility, and thermodynamic stability) indicates that this missense variant is not expected to disrupt RASA2 protein function with a negative predictive value of 80%. In summary, the available evidence is currently insufficient to determine the role of this variant in disease. Therefore, it has been classified as a Variant of Uncertain Significance.